The following is an entry in ClinVar:

ClinVar aggregate classification (germline): Benign (1 of 4 stars; one submission).

Allele frequency attached by ClinVar (database versions not stated): 1000 Genomes Project 30x 0.35806; gnomAD 0.34480; 1000 Genomes Project 0.34804; TOPMed 0.35001.
gnomAD v4.1: 50,761 of 151,578 alleles (33%); highest among the groups gnomAD compares: African/African-American, 68%; 11,999 homozygotes.

Submission:

GeneDx
Classification: Benign. Last evaluated: 2018-06-18. Review status: criteria provided, single submitter. Criteria: GeneDx Variant Classification (06012015). Collection method: clinical testing. Allele origin: germline. Affected: yes.
Comment: This variant is considered likely benign or benign based on one or more of the following criteria: it is a conservative change, it occurs at a poorly conserved position in the protein, it is predicted to be benign by multiple in silico algorithms, and/or has population frequency not consistent with disease.

NM_000426.4(LAMA2):c.910-311C>A

Gene: LAMA2 (laminin subunit alpha 2; plus strand). Cytogenetic location: 6q22.33.
Variant type: single nucleotide variant.
Coding change: c.910-311C>A on transcript NM_000426.4 (MANE Select); 311 bases into the intron before coding-DNA position 910, C replaced by A.
Molecular consequence: intron variant.
Genome position (GRCh38, 1-based): chr6:129,148,668, C>A. VCF-style: chr6-129148668-C-A. GRCh37 (hg19) VCF-style: chr6-129469813-C-A.
Other names: c.910-311C>A (NM_001079823.2).
Identifiers: ClinVar variation 668910 (VCV000668910.1), dbSNP rs9492248, ClinGen allele CA12207914.